The following is an entry in ClinVar:

ClinVar aggregate classification (germline): Pathogenic/Likely pathogenic. Review status: criteria provided, multiple submitters, no conflicts (2 of 4 stars). 2 submissions from 2 submitters: Pathogenic (1); Likely pathogenic (1). Last evaluated 2024-04-24.

Conditions:
MPI-congenital disorder of glycosylation. Also called: PROTEIN-LOSING ENTEROPATHY-HEPATIC FIBROSIS SYNDROME; MPI-CDG; CDG Ib; MANNOSEPHOSPHATE ISOMERASE DEFICIENCY; MPI DEFICIENCY; CONGENITAL DISORDER OF GLYCOSYLATION, TYPE Ib. Identifiers: Orphanet 79319, MedGen C1865145, MONDO:0011257, OMIM 602579.

Allele frequency attached by ClinVar (database versions not stated): gnomAD exomes below 0.00001.

Submissions (2):

Natera, Inc.
Classification: Likely pathogenic for Congenital disorder of glycosylation type 1b. Last evaluated: 2024-04-24. Review status: criteria provided, single submitter. Criteria: Natera Variant Classification Schema (03/2026). Collection method: clinical testing. Allele origin: germline.
Comment: The c.830_831delCC variant in MPI is a frameshift variant predicted to shift the reading frame beginning at codon 277 and leads to a stop codon 27 codons downstream. This variant is expected to result in nonsense mediated decay, truncation, or a dysfunctional protein product. This variant is rare in the general population with a frequency below the threshold expected for the associated phenotype(s). Given the available evidence, this variant is classified as Likely Pathogenic.

Labcorp Genetics (formerly Invitae), Labcorp
Classification: Pathogenic for MPI-congenital disorder of glycosylation. Last evaluated: 2023-07-18. Review status: criteria provided, single submitter. Criteria: Invitae Variant Classification Sherloc (09022015). Collection method: clinical testing. Allele origin: germline.
Comment: For these reasons, this variant has been classified as Pathogenic. This variant has not been reported in the literature in individuals affected with MPI-related conditions. This variant is present in population databases (no rsID available, gnomAD 0.0009%). This sequence change creates a premature translational stop signal (p.Ala277Valfs*27) in the MPI gene. It is expected to result in an absent or disrupted protein product. Loss-of-function variants in MPI are known to be pathogenic (PMID: 19862844).

Literature cited by the submitters: PubMed 19862844 (cited by Labcorp Genetics (formerly Invitae), Labcorp).

NM_002435.3(MPI):c.830_831del (p.Ala277fs)

Gene: MPI (mannose phosphate isomerase; plus strand). Cytogenetic location: 15q24.1.
Variant type: Deletion.
Coding change: c.830_831del on transcript NM_002435.3 (MANE Select); coding-DNA positions 830 to 831, 2 bases deleted (CC; older notation c.830_831delCC).
Protein change: p.Ala277fs; shifts the reading frame from alanine 277.
Molecular consequence: frameshift variant.
Genome position (GRCh38, 1-based): chr15:74,896,311-74,896,312, CC deleted. VCF-style (leftmost placement, unchanged base first): chr15-74896310-GCC-G. GRCh37 (hg19) VCF-style: chr15-75188651-GCC-G.
Other names: c.830_831delCC (NM_002435.2); c.830_831del, p.Ala277fs (NM_001289155.2); c.680_681del, p.Ala227fs (NM_001289156.2); c.647_648del, p.Ala216fs (NM_001289157.2); c.770_771del, p.Ala257fs (NM_001330372.2); short protein forms A277fs, A216fs, A257fs, A227fs.
Identifiers: ClinVar variation 2900537 (VCV002900537.4), dbSNP rs1567268682, ClinGen allele CA619413159.